The following is an entry in ClinVar:

ClinVar aggregate classification (germline): Uncertain significance. Review status: criteria provided, multiple submitters, no conflicts (2 of 4 stars). 2 submissions from 2 submitters: Uncertain significance (2). Last evaluated 2026-04-13.

Conditions:
CDC14A-related disorder. Also called: CDC14A-related condition.

gnomAD v4.1: 206 of 1,612,444 alleles (0.013%); highest among the groups gnomAD compares: Non-Finnish European, 0.017%; no homozygotes.

Submissions (2):

PreventionGenetics, part of Exact Sciences
Classification: Uncertain significance for CDC14A-related condition. Last evaluated: 2026-04-13. Review status: criteria provided, single submitter. Criteria: ACMG Guidelines, 2015. Collection method: clinical testing. Allele origin: germline.
Comment: The CDC14A c.240A>C variant is predicted to result in the amino acid substitution p.Lys80Asn. To our knowledge, this variant has not been reported in the literature. This variant is reported in 0.0070% of alleles in individuals of European (Non-Finnish) descent in gnomAD. At this time, the clinical significance of this variant is uncertain due to the absence of conclusive functional and genetic evidence.

CeGaT Center for Human Genetics Tuebingen
Classification: Uncertain significance. Last evaluated: 2025-12-01. Review status: criteria provided, single submitter. Criteria: CeGaT Center For Human Genetics Tuebingen Variant Classification Criteria Version 2. Collection method: clinical testing. Allele origin: germline. Affected: yes. Observed: 1 variant allele.
Comment: CDC14A: PM2

NM_003672.4(CDC14A):c.240A>C (p.Lys80Asn)

Gene: CDC14A (cell division cycle 14A; plus strand). Cytogenetic location: 1p21.2.
Variant type: single nucleotide variant.
Coding change: c.240A>C on transcript NM_003672.4 (MANE Select); coding-DNA position 240, A replaced by C.
Protein change: p.Lys80Asn; replaces lysine 80 with asparagine.
Molecular consequence: missense variant. On other transcripts: 5 prime UTR variant (1).
Genome position (GRCh38, 1-based): chr1:100,390,755, A>C. VCF-style: chr1-100390755-A-C. GRCh37 (hg19) VCF-style: chr1-100856311-A-C.
Other names: c.240A>C (NM_033312.2); c.240A>C, p.Lys80Asn (NM_001319210.2, NM_033312.3, NM_033313.3); c.66A>C, p.Lys22Asn (NM_001319211.2); c.-552A>C (NM_001319212.2); short protein forms K22N, K80N.
Identifiers: ClinVar variation 4681671 (VCV004681671.6).
Genomic context (GRCh38, chr1:100,390,755, plus strand): 5'-TATGGTTACACTAACTCTTTTTATCTCCTCTTTCTAGTCATACAGTTTGTCAAGAAAGAA[A>C]ATAGTGCACTACACCTGTTTTGACCAACGGAAAAGAGCAAATGCAGCATTTTTGATAGGT-3'
Protein context (NP_003663.2, residues 70-90): KLKSYSLSRK[Lys80Asn]IVHYTCFDQR